The following is an entry in ClinVar:

ClinVar aggregate classification (germline): Conflicting classifications of pathogenicity. Review status: criteria provided, conflicting classifications (1 of 4 stars). 4 submissions from 3 submitters: Uncertain significance (3); Likely benign (1). Last evaluated 2023-10-22.

Conditions:
Emery-Dreifuss muscular dystrophy 4, autosomal dominant (EDMD4). Also called: EMERY-DREIFUSS MUSCULAR DYSTROPHY 4 WITH VARIABLE FEATURES. Identifiers: Orphanet 261, MedGen C2751807, MONDO:0013071, OMIM 612998.
Autosomal recessive ataxia, Beauce type. Also called: SYNE1-Related Autosomal Recessive Cerebellar Ataxia; Spinocerebellar ataxia, autosomal recessive 8; ATAXIA, RECESSIVE, OF BEAUCE; SYNE1 Deficiency. Identifiers: Orphanet 88644, MedGen C1853116, MONDO:0012549, OMIM 610743.

Allele frequency attached by ClinVar (database versions not stated): ExAC 0.00004; TOPMed 0.00008; 1000 Genomes Project 30x 0.00016; 1000 Genomes Project 0.00020.
gnomAD v4.1: 63 of 1,614,048 alleles (0.0039%); highest among the groups gnomAD compares: East Asian, 0.049%; no homozygotes.

Submissions (4):

Labcorp Genetics (formerly Invitae), Labcorp
Classification: Uncertain significance for Emery-Dreifuss muscular dystrophy 4, autosomal dominant; Autosomal recessive ataxia, Beauce type. Last evaluated: 2023-10-22. Review status: criteria provided, single submitter. Criteria: Invitae Variant Classification Sherloc (09022015). Collection method: clinical testing. Allele origin: germline.
Comment: This sequence change replaces threonine, which is neutral and polar, with methionine, which is neutral and non-polar, at codon 2547 of the SYNE1 protein (p.Thr2547Met). This variant is present in population databases (rs550027519, gnomAD 0.07%). This variant has not been reported in the literature in individuals affected with SYNE1-related conditions. ClinVar contains an entry for this variant (Variation ID: 498907). An algorithm developed to predict the effect of missense changes on protein structure and function (PolyPhen-2) suggests that this variant is likely to be disruptive. In summary, the available evidence is currently insufficient to determine the role of this variant in disease. Therefore, it has been classified as a Variant of Uncertain Significance.

Illumina Laboratory Services, Illumina
Classification: Likely benign for Emery-Dreifuss muscular dystrophy 4, autosomal dominant. Last evaluated: 2018-01-12. Review status: criteria provided, single submitter. Criteria: ICSL Variant Classification Criteria 13 December 2019. Collection method: clinical testing. Allele origin: germline.
Comment: This variant was observed in the ICSL laboratory as part of a predisposition screen in an ostensibly healthy population. It had not been previously curated by ICSL or reported in the Human Gene Mutation Database (HGMD: prior to June 1st, 2018), and was therefore a candidate for classification through an automated scoring system. Utilizing variant allele frequency, disease prevalence and penetrance estimates, and inheritance mode, an automated score was calculated to assess if this variant is too frequent to cause the disease. Based on the score and internal cut-off values, a variant classified as likely benign is not then subjected to further curation. The score for this variant resulted in a classification of likely benign for this disease.

Illumina Laboratory Services, Illumina
Classification: Uncertain significance for Autosomal recessive ataxia, Beauce type. Last evaluated: 2018-01-12. Review status: criteria provided, single submitter. Criteria: ICSL Variant Classification Criteria 13 December 2019. Collection method: clinical testing. Allele origin: germline.

Eurofins Ntd Llc (ga)
Classification: Uncertain significance. Last evaluated: 2016-12-27. Review status: criteria provided, single submitter. Criteria: EGL Classification Definitions 2015. Collection method: clinical testing. Allele origin: germline. Observed: 1 variant allele, 1 heterozygote.

NM_182961.4(SYNE1):c.7619C>T (p.Thr2540Met)

Gene: SYNE1 (spectrin repeat containing nuclear envelope protein 1; minus strand). Cytogenetic location: 6q25.2.
Variant type: single nucleotide variant.
Coding change: c.7619C>T on transcript NM_182961.4 (MANE Select); coding-DNA position 7619, C replaced by T.
Protein change: p.Thr2540Met; replaces threonine 2540 with methionine.
Molecular consequence: missense variant.
Genome position (GRCh38, 1-based): chr6:152,395,609, G>A on the plus strand (C>T on the coding strand, the complement: SYNE1 is on the minus strand). VCF-style: chr6-152395609-G-A. GRCh37 (hg19) VCF-style: chr6-152716744-G-A.
Other names: c.7640C>T, p.Thr2547Met (NM_033071.5); short protein forms T2540M, T2547M.
Identifiers: ClinVar variation 498907 (VCV000498907.11), dbSNP rs550027519, ClinGen allele CA4057768.